The following is an entry in ClinVar:

ClinVar aggregate classification (germline): Uncertain significance (1 of 4 stars; one submission).

Conditions:
Inborn genetic diseases. Identifiers: MedGen C0950123, MeSH D030342.

Submission:

Ambry Genetics
Classification: Uncertain significance for Inborn genetic diseases. Last evaluated: 2026-06-18. Review status: criteria provided, single submitter. Criteria: Ambry Variant Classification Scheme 2023. Collection method: clinical testing. Allele origin: germline.
Comment: The p.L259V variant (also known as c.775C>G), located in coding exon 9 of the ASXL1 gene, results from a C to G substitution at nucleotide position 775. The leucine at codon 259 is replaced by valine, an amino acid with highly similar properties. This amino acid position is conserved. In addition, the in silico prediction for this alteration is inconclusive. Based on the available evidence, the clinical significance of this variant remains unclear.

NM_015338.6(ASXL1):c.775C>G (p.Leu259Val)

Gene: ASXL1 (ASXL transcriptional regulator 1; plus strand). Cytogenetic location: 20q11.21.
Variant type: single nucleotide variant.
Coding change: c.775C>G on transcript NM_015338.6 (MANE Select); coding-DNA position 775, C replaced by G.
Protein change: p.Leu259Val; replaces leucine 259 with valine.
Molecular consequence: missense variant.
Genome position (GRCh38, 1-based): chr20:32,431,377, C>G. VCF-style: chr20-32431377-C-G. GRCh37 (hg19) VCF-style: chr20-31019180-C-G.
Other names: c.592C>G, p.Leu198Val (NM_001363734.1); short protein forms L259V, L198V.
Identifiers: ClinVar variation 5029707 (VCV005029707.1).